The following is an entry in ClinVar:

ClinVar aggregate classification (germline): Uncertain significance (1 of 4 stars; one submission).

Conditions:
Pseudohypoaldosteronism type 2B (PHA2B). Also called: Pseudohypoaldosteronism Type IIB. Identifiers: Orphanet 757, Orphanet 88939, MedGen C1840390, MONDO:0013777, OMIM 614491.

Submission:

Dasa
Classification: Uncertain significance for Pseudohypoaldosteronism type 2B. Last evaluated: 2026-01-28. Review status: criteria provided, single submitter. Criteria: DASA Assertion Criteria. Collection method: clinical testing. Allele origin: germline.
Comment: NM_032387.5(WNK4):c.2631_2632del (p.Gln878Valfs*24) is a frameshift variant in WNK4 predicted to alter the reading frame and introduce a premature termination codon. This variant is rare in population databases. The currently available literature and clinical evidence are not sufficient to establish a definitive association between this variant and the reported condition. Therefore, this variant is classified as a variant of uncertain significance.

NM_032387.5(WNK4):c.2631_2632del (p.Gln878fs)

Gene: WNK4 (WNK lysine deficient protein kinase 4; plus strand). Cytogenetic location: 17q21.2.
Variant type: Microsatellite.
Coding change: c.2631_2632del on transcript NM_032387.5 (MANE Select); coding-DNA positions 2631 to 2632, 2 bases deleted (TC; older notation c.2631_2632delTC).
Protein change: p.Gln878fs; shifts the reading frame from glutamine 878.
Molecular consequence: frameshift variant.
Genome position (GRCh38, 1-based): chr17:42,795,052-42,795,053, TC deleted; deleting any 2 consecutive bases within chr17:42,795,047-42,795,053 gives the same sequence; the c. name uses the placement nearest the transcript's 3' end. VCF-style (leftmost placement, unchanged base first): chr17-42795046-ACT-A. GRCh37 (hg19) VCF-style: chr17-40947064-ACT-A.
Other names: c.1623_1624del, p.Gln542fs (NM_001321299.2); short protein forms Q542fs, Q878fs.
Identifiers: ClinVar variation 4883989 (VCV004883989.2).
Genomic context (GRCh38, chr17:42,795,046, plus strand): 5'-TCCACACCCCACCAGCTCTCCACTTCCATTCTCCTCCAGCACACCCGAGTTTCCGGTCCC[ACT>A]CTCTCAGTGTCCCTGGAGTTCTCTCCCCACGACTTCTCCACCTACGTTCTCTCCCACTTG-3'